The following is an entry in ClinVar:

ClinVar aggregate classification (germline): Benign. Review status: criteria provided, multiple submitters, no conflicts (2 of 4 stars). 3 submissions from 3 submitters: Benign (2). 1 of the submissions does not count toward it. Last evaluated 2019-12-31.

Conditions:
BIRC6-related disorder. Also called: BIRC6-related condition.

Allele frequency attached by ClinVar (database versions not stated): gnomAD 0.00615 and 0.00634; ExAC 0.00685; TOPMed 0.00696; gnomAD exomes 0.00733 and 0.00793; 1000 Genomes Project 30x 0.00750; 1000 Genomes Project 0.00759; ESP Exome Variant Server 0.00784.
gnomAD v4.1: 12,648 of 1,609,480 alleles (0.79%); highest among the groups gnomAD compares: Middle Eastern, 3.6%; 92 homozygotes.

Submissions (3):

Labcorp Genetics (formerly Invitae), Labcorp
Classification: Benign. Last evaluated: 2019-12-31. Review status: criteria provided, single submitter. Criteria: Invitae Variant Classification Sherloc (09022015). Collection method: clinical testing. Allele origin: germline.

Breakthrough Genomics
Classification: Benign. Review status: criteria provided, single submitter. Criteria: ACMG Guidelines, 2015. Collection method: not provided. Allele origin: germline. Inheritance: Unknown mechanism. Affected: yes.

PreventionGenetics, part of Exact Sciences
Classification: Benign for BIRC6-related condition. Last evaluated: 2019-08-12. Review status: no assertion criteria provided. Collection method: clinical testing. Allele origin: germline. Not counted in ClinVar's aggregate classification.
Comment: This variant is classified as benign based on ACMG/AMP sequence variant interpretation guidelines (Richards et al. 2015 PMID: 25741868, with internal and published modifications).

NM_016252.4(BIRC6):c.10278C>G (p.Leu3426=)

Gene: BIRC6 (baculoviral IAP repeat containing 6; plus strand). Cytogenetic location: 2p22.3.
Variant type: single nucleotide variant.
Coding change: c.10278C>G on transcript NM_016252.4 (MANE Select); coding-DNA position 10278, C replaced by G.
Protein change: p.Leu3426=; no amino-acid change (leucine 3426 retained).
Molecular consequence: synonymous variant.
Genome position (GRCh38, 1-based): chr2:32,510,566, C>G. VCF-style: chr2-32510566-C-G. GRCh37 (hg19) VCF-style: chr2-32735633-C-G.
Other names: c.10275C>G, p.Leu3425= (NM_001378125.1).
Identifiers: ClinVar variation 777767 (VCV000777767.7), dbSNP rs61754198, ClinGen allele CA1604739.